The following is an entry in ClinVar:

ClinVar aggregate classification (germline): Uncertain significance (1 of 4 stars; one submission).

Conditions:
Developmental and epileptic encephalopathy, 69. Also called: EPILEPTIC ENCEPHALOPATHY, EARLY INFANTILE, 69. Identifiers: MedGen C4748988, MONDO:0032657, OMIM 618285.

Submission:

Clinical Genetics Laboratory, University Hospital Schleswig-Holstein
Classification: Uncertain significance for Developmental and epileptic encephalopathy, 69. Last evaluated: 2025-07-28. Review status: criteria provided, single submitter. Criteria: ACMG Guidelines, 2015. Collection method: clinical testing. Allele origin: paternal. Affected: yes. Observed: 1 heterozygote.
Comment: ACMG criteria applied: PM2, PVS1_Moderate

NM_001205293.3(CACNA1E):c.2033G>A (p.Trp678Ter)

Gene: CACNA1E (calcium voltage-gated channel subunit alpha1 E; plus strand). Cytogenetic location: 1q25.3.
Variant type: single nucleotide variant.
Coding change: c.2033G>A on transcript NM_001205293.3 (MANE Select); coding-DNA position 2033, G replaced by A.
Protein change: p.Trp678Ter; replaces tryptophan 678 with a stop codon.
Molecular consequence: nonsense.
Genome position (GRCh38, 1-based): chr1:181,721,834, G>A. VCF-style: chr1-181721834-G-A. GRCh37 (hg19) VCF-style: chr1-181690970-G-A.
Other names: c.2033G>A, p.Trp678Ter (NM_000721.4, NM_001205294.2); short protein forms W678*.
Identifiers: ClinVar variation 4891301 (VCV004891301.1).
Genomic context (GRCh38, chr1:181,721,834, plus strand): 5'-ACTGGAATGAGGTGATGTACAATGGGATCCGCTCCCAGGGTGGGGTCAGCTCAGGCATGT[G>A]GTCTGCCATCTACTTCATTGTGCTCACCTTGTTTGGCAACTGTATCCTTTTTAAGATGCA-3'